The following is an entry in ClinVar:

ClinVar aggregate classification (germline): Uncertain significance (1 of 4 stars; one submission).

Allele frequency attached by ClinVar (database versions not stated): gnomAD 0.00001; TOPMed 0.00002; ESP Exome Variant Server 0.00008.
gnomAD v4.1: 3 of 1,614,064 alleles (0.00019%); highest among the groups gnomAD compares: Non-Finnish European, 0.000085%; no homozygotes.

Submission:

Labcorp Genetics (formerly Invitae), Labcorp
Classification: Uncertain significance. Last evaluated: 2021-12-24. Review status: criteria provided, single submitter. Criteria: Invitae Variant Classification Sherloc (09022015). Collection method: clinical testing. Allele origin: germline.
Comment: This sequence change replaces glutamine, which is neutral and polar, with lysine, which is basic and polar, at codon 841 of the ABCA4 protein (p.Gln841Lys). This variant is present in population databases (rs143100856, gnomAD 0.0009%). This variant has not been reported in the literature in individuals affected with ABCA4-related conditions. Advanced modeling of protein sequence and biophysical properties (such as structural, functional, and spatial information, amino acid conservation, physicochemical variation, residue mobility, and thermodynamic stability) performed at Invitae indicates that this missense variant is not expected to disrupt ABCA4 protein function. This variant disrupts the p.Gln841 amino acid residue in ABCA4. Other variant(s) that disrupt this residue have been determined to be pathogenic (PMID: 28355279, 29925512; Invitae). This suggests that this residue is clinically significant, and that variants that disrupt this residue are likely to be disease-causing. In summary, the available evidence is currently insufficient to determine the role of this variant in disease. Therefore, it has been classified as a Variant of Uncertain Significance.

Literature cited by the submitters: PubMed 28355279; PubMed 29925512.

NM_000350.3(ABCA4):c.2521C>A (p.Gln841Lys)

Gene: ABCA4 (ATP binding cassette subfamily A member 4; minus strand). Cytogenetic location: 1p22.1.
Variant type: single nucleotide variant.
Coding change: c.2521C>A on transcript NM_000350.3 (MANE Select); coding-DNA position 2521, C replaced by A.
Protein change: p.Gln841Lys; replaces glutamine 841 with lysine.
Molecular consequence: missense variant.
Genome position (GRCh38, 1-based): chr1:94,055,177, G>T on the plus strand (C>A on the coding strand, the complement: ABCA4 is on the minus strand). VCF-style: chr1-94055177-G-T. GRCh37 (hg19) VCF-style: chr1-94520733-G-T.
Other names: c.2299C>A, p.Gln767Lys (NM_001425324.1); short protein forms Q841K, Q767K.
Identifiers: ClinVar variation 2202799 (VCV002202799.1), dbSNP rs143100856, ClinGen allele CA958251.